The following is an entry in ClinVar:

NM_145046.5(CALR3):c.189T>G (p.Asp63Glu)

Gene: CALR3 (calreticulin 3; minus strand). Cytogenetic location: 19p13.11.
Variant type: single nucleotide variant.
Coding change: c.189T>G on transcript NM_145046.5 (MANE Select); coding-DNA position 189, T replaced by G.
Protein change: p.Asp63Glu; replaces aspartic acid 63 with glutamic acid.
Molecular consequence: missense variant.
Genome position (GRCh38, 1-based): chr19:16,495,755, A>C on the plus strand (T>G on the coding strand, the complement: CALR3 is on the minus strand). VCF-style: chr19-16495755-A-C. GRCh37 (hg19) VCF-style: chr19-16606566-A-C.
Other names: short protein forms D63E.
Identifiers: ClinVar variation 191614 (VCV000191614.1), dbSNP rs201304731, ClinGen allele CA237067.

ClinVar aggregate classification (germline): Uncertain significance (1 of 4 stars; one submission).

Allele frequency attached by ClinVar (database versions not stated): gnomAD exomes below 0.00001; TOPMed below 0.00001.
gnomAD v4.1: 1 of 1,612,582 alleles (0.000062%); no homozygotes.

Submission:

Biesecker Lab/Clinical Genomics Section, National Institutes of Health
Classification: Uncertain significance. Last evaluated: 2013-06-24. Review status: criteria provided, single submitter. Criteria: Ng et al. (Circ Cardiovasc Genet. 2013). Collection method: research. Allele origin: unknown. Observed: 1 variant allele. Study: ClinSeq.
Comment: The study set was not selected for affection status in relation to any cancer. Pathogenicity categories were based on literature curation. See Pubmed ID:23861362 for details.

Medical sequencing